The following is an entry in ClinVar:

ClinVar aggregate classification (germline): Likely pathogenic (1 of 4 stars; one submission).

Conditions:
Autoinflammatory syndrome, familial, Behcet-like. Identifiers: MedGen CN234876, MONDO:0031384.

Submission:

Baylor Genetics
Classification: Likely pathogenic for Autoinflammatory syndrome, familial, Behcet-like 1. Last evaluated: 2019-12-26. Review status: criteria provided, single submitter. Criteria: ACMG Guidelines, 2015. Collection method: clinical testing. Allele origin: de novo. Affected: yes.
Comment: This variant was determined to be likely pathogenic according to ACMG Guidelines, 2015 [PMID:25741868].

NM_001270508.2(TNFAIP3):c.22C>T (p.Gln8Ter)

Gene: TNFAIP3 (TNF alpha induced protein 3; plus strand). Cytogenetic location: 6q23.3.
Variant type: single nucleotide variant.
Coding change: c.22C>T on transcript NM_001270508.2 (MANE Select); coding-DNA position 22, C replaced by T.
Protein change: p.Gln8Ter; replaces glutamine 8 with a stop codon.
Molecular consequence: nonsense.
Genome position (GRCh38, 1-based): chr6:137,871,249, C>T. VCF-style: chr6-137871249-C-T. GRCh37 (hg19) VCF-style: chr6-138192386-C-T.
Other names: c.22C>T, p.Gln8Ter (NM_001270507.2, NM_006290.4); short protein forms Q8*.
Identifiers: ClinVar variation 1028499 (VCV001028499.1), dbSNP rs1461832435, ClinGen allele CA365779383.
Genomic context (GRCh38, chr6:137,871,249, plus strand): 5'-TTTTTTTTTTCCTTTCCTTTTCAGGTGTTGGAGAGCACAATGGCTGAACAAGTCCTTCCT[C>T]AGGCTTTGTATTTGAGCAATATGCGGAAAGCTGTGAAGATACGGGAGAGAACTCCAGAAG-3'